The following is an entry in ClinVar:

ClinVar aggregate classification (germline): Uncertain significance (1 of 4 stars; one submission).

Conditions:
Primary ciliary dyskinesia. Also called: Ciliary dyskinesia. Identifiers: Orphanet 244, MedGen C0008780, MONDO:0016575, HP:0012265.

Submission:

Labcorp Genetics (formerly Invitae), Labcorp
Classification: Uncertain significance for Primary ciliary dyskinesia. Last evaluated: 2022-11-22. Review status: criteria provided, single submitter. Criteria: Invitae Variant Classification Sherloc (09022015). Collection method: clinical testing. Allele origin: germline.
Comment: In summary, the available evidence is currently insufficient to determine the role of this variant in disease. Therefore, it has been classified as a Variant of Uncertain Significance. Algorithms developed to predict the effect of missense changes on protein structure and function are either unavailable or do not agree on the potential impact of this missense change (SIFT: "Deleterious"; PolyPhen-2: "Probably Damaging"; Align-GVGD: "Class C0"). ClinVar contains an entry for this variant (Variation ID: 1482577). This variant has not been reported in the literature in individuals affected with CCDC39-related conditions. This variant is not present in population databases (gnomAD no frequency). This sequence change replaces lysine, which is basic and polar, with glutamic acid, which is acidic and polar, at codon 545 of the CCDC39 protein (p.Lys545Glu).

NM_181426.2(CCDC39):c.1633A>G (p.Lys545Glu)

Gene: CCDC39 (coiled-coil domain 39 molecular ruler complex subunit; minus strand). Cytogenetic location: 3q26.33.
Variant type: single nucleotide variant.
Coding change: c.1633A>G on transcript NM_181426.2 (MANE Select); coding-DNA position 1633, A replaced by G.
Protein change: p.Lys545Glu; replaces lysine 545 with glutamic acid.
Molecular consequence: missense variant.
Genome position (GRCh38, 1-based): chr3:180,644,152, T>C on the plus strand (A>G on the coding strand, the complement: CCDC39 is on the minus strand). VCF-style: chr3-180644152-T-C. GRCh37 (hg19) VCF-style: chr3-180361940-T-C.
Other names: short protein forms K545E.
Identifiers: ClinVar variation 1482577 (VCV001482577.8), dbSNP rs2108419987, ClinGen allele CA355309447.